The following is an entry in ClinVar:

NM_000051.4(ATM):c.8269G>A (p.Val2757Met)

Genes: ATM (ATM serine/threonine kinase; plus strand), C11orf65 (chromosome 11 open reading frame 65; minus strand). Cytogenetic location: 11q22.3.
Variant type: single nucleotide variant.
Coding change: c.8269G>A on transcript NM_000051.4 (MANE Select); coding-DNA position 8269, G replaced by A.
Protein change: p.Val2757Met; replaces valine 2757 with methionine.
Molecular consequence: missense variant. On other transcripts: intron variant (2).
Genome position (GRCh38, 1-based): chr11:108,343,222, G>A. VCF-style: chr11-108343222-G-A. GRCh37 (hg19) VCF-style: chr11-108213949-G-A.
Other names: c.8269G>A, p.Val2757Met (NM_001351834.2); c.641-34151C>T (NM_001330368.2); c.695-7930C>T (NM_001351110.2); short protein forms V2757M.
Identifiers: ClinVar variation 407590 (VCV000407590.61), dbSNP rs761625350, ClinGen allele CA6266339.

ClinVar aggregate classification (germline): Uncertain significance. Review status: criteria provided, multiple submitters, no conflicts (2 of 4 stars). 8 submissions from 8 submitters: Uncertain significance (7). 1 of the submissions does not count toward it. Last evaluated 2025-12-13.

Conditions:
ATM-related disorder. Also called: ATM-related disorders; ATM-related condition.
Hereditary cancer-predisposing syndrome. Also called: Neoplastic Syndromes, Hereditary; Hereditary Cancer Syndrome; Tumor predisposition; Hereditary neoplastic syndrome. Identifiers: Orphanet 140162, MedGen C0027672, MeSH D009386, MONDO:0015356.
Familial cancer of breast. Also called: Hereditary breast cancer; BREAST CANCER, FAMILIAL; hereditary breast carcinoma. Identifiers: Orphanet 227535, MedGen C0346153, MONDO:0016419, OMIM 114480. Disease mechanism: loss of function.
Ataxia-telangiectasia syndrome (AT). Also called: LOUIS-BAR SYNDROME; Cerebello-oculocutaneous telangiectasia; Immunodeficiency with ataxia telangiectasia; Ataxia-telangiectasia, complementation group D; AT, COMPLEMENTATION GROUP C; Ataxia-telangiectasia, complementation group E. Identifiers: Orphanet 100, MedGen C0004135, MONDO:0008840, OMIM 208900.

Allele frequency attached by ClinVar (database versions not stated): gnomAD exomes below 0.00001; ExAC 0.00001; gnomAD 0.00001; TOPMed 0.00001.
gnomAD v4.1: 2 of 1,613,760 alleles (0.00012%); highest among the groups gnomAD compares: Non-Finnish European, 0.000085%; no homozygotes.

Submissions (8):

Labcorp Genetics (formerly Invitae), Labcorp
Classification: Uncertain significance for Ataxia-telangiectasia syndrome. Last evaluated: 2025-12-13. Review status: criteria provided, single submitter. Criteria: Invitae Variant Classification Sherloc (09022015). Collection method: clinical testing. Allele origin: germline.
Comment: This sequence change replaces valine, which is neutral and non-polar, with methionine, which is neutral and non-polar, at codon 2757 of the ATM protein (p.Val2757Met). This variant is present in population databases (rs761625350, gnomAD 0.0009%). This variant has not been reported in the literature in individuals affected with ATM-related conditions. ClinVar contains an entry for this variant (Variation ID: 407590). An algorithm developed to predict the effect of missense changes on protein structure and function (PolyPhen-2) suggests that this variant is likely to be disruptive. Algorithms developed to predict the effect of sequence changes on RNA splicing suggest that this variant may disrupt the consensus splice site. In summary, the available evidence is currently insufficient to determine the role of this variant in disease. Therefore, it has been classified as a Variant of Uncertain Significance.

Ambry Genetics
Classification: Uncertain significance for Hereditary cancer-predisposing syndrome. Last evaluated: 2024-12-17. Review status: criteria provided, single submitter. Criteria: Ambry Variant Classification Scheme 2023. Collection method: clinical testing. Allele origin: germline.
Comment: The p.V2757M variant (also known as c.8269G>A) is located in coding exon 56 of the ATM gene. The valine at codon 2757 is replaced by methionine, an amino acid with highly similar properties. This change occurs in the first base pair of coding exon 56. This amino acid position is highly conserved in available vertebrate species. This alteration has been reported in at least one subject in a study of 13087 breast cancer cases and 5488 control individuals in the UK (Decker B et al. J Med Genet, 2017 11;54:732-741). In addition, this alteration is predicted to be deleterious by in silico analysis. Since supporting evidence is limited at this time, the clinical significance of this alteration remains unclear.

Fulgent Genetics
Classification: Uncertain significance for Familial cancer of breast; Ataxia-telangiectasia syndrome. Last evaluated: 2024-03-08. Review status: criteria provided, single submitter. Criteria: ACMG Guidelines, 2015. Collection method: clinical testing. Allele origin: germline.

Baylor Genetics
Classification: Uncertain significance for Familial cancer of breast. Last evaluated: 2024-02-15. Review status: criteria provided, single submitter. Criteria: ACMG Guidelines, 2015. Collection method: clinical testing. Allele origin: unknown.

GeneDx
Classification: Uncertain significance. Last evaluated: 2023-11-21. Review status: criteria provided, single submitter. Criteria: GeneDx Variant Classification Process June 2021. Collection method: clinical testing. Allele origin: germline. Affected: yes.
Comment: Not observed at significant frequency in large population cohorts (gnomAD); In silico analysis supports that this missense variant has a deleterious effect on protein structure/function; This variant is associated with the following publications: (PMID: 34091214, 23532176, 28779002)

Department of Molecular Diagnostics, Institute of Oncology Ljubljana
Classification: Uncertain significance for Familial cancer of breast. Last evaluated: 2022-09-08. Review status: criteria provided, single submitter. Criteria: ACMG Guidelines, 2015. Collection method: clinical testing. Allele origin: germline. Affected: yes.
Comment: However, whether the variants are in cis or trans has not been tested.

Sema4
Classification: Uncertain significance for Hereditary cancer-predisposing syndrome. Last evaluated: 2021-09-13. Review status: criteria provided, single submitter. Criteria: Sema4 Curation Guidelines. Collection method: curation. Allele origin: germline.
Comment: The ATM c.8269G>A (p.V2757M) variant has been reported in heterozygosity in at least one individual with breast cancer (PMID: 28779002). It was observed in 1/113662 chromosomes of the Non-Finnish European subpopulation in the large and broad cohorts of the Genome Aggregation Database (PMID: 32461654). This variant has been reported in ClinVar (Variation ID 407590). In silico tools suggest the impact of the variant on protein function is deleterious, though these predictions have not been confirmed by functional studies. The evidence is insufficient to meet ACMG/AMP criteria for classifying the variant as benign or pathogenic. Thus, the clinical significance of this variant is currently uncertain.

PreventionGenetics, part of Exact Sciences
Classification: Uncertain significance for ATM-related condition. Last evaluated: 2024-09-28. Review status: no assertion criteria provided. Collection method: clinical testing. Allele origin: germline. Not counted in ClinVar's aggregate classification.
Comment: The ATM c.8269G>A variant is predicted to result in the amino acid substitution p.Val2757Met. This variant has been reported in breast cancer case control cohort study (Table S5, Decker et al. 2017. PubMed ID: 28779002). This variant is reported in 0.00088% of alleles in individuals of European (Non-Finnish) descent in gnomAD. This variant has been classified as uncertain in the ClinVar database. At this time, the clinical significance of this variant is uncertain due to the absence of conclusive functional and genetic evidence.

Literature cited by the submitters: PubMed 28779002 (cited by Ambry Genetics and Sema4).